The following is an entry in ClinVar:

ClinVar aggregate classification (germline): Likely benign. Review status: criteria provided, multiple submitters, no conflicts (2 of 4 stars). 3 submissions from 3 submitters: Likely benign (2). 1 of the submissions does not count toward it. Last evaluated 2026-01-27.

Conditions:
NBAS-related disorder. Also called: NBAS-related condition.

Allele frequency attached by ClinVar (database versions not stated): ExAC 0.00007; gnomAD exomes 0.00009; gnomAD 0.00017 and 0.00018; TOPMed 0.00018; ESP Exome Variant Server 0.00023.
gnomAD v4.1: 335 of 1,614,006 alleles (0.021%); highest among the groups gnomAD compares: Non-Finnish European, 0.025%; no homozygotes.

Submissions (3):

Labcorp Genetics (formerly Invitae), Labcorp
Classification: Likely benign. Last evaluated: 2026-01-27. Review status: criteria provided, single submitter. Criteria: Invitae Variant Classification Sherloc (09022015). Collection method: clinical testing. Allele origin: germline.

CeGaT Center for Human Genetics Tuebingen
Classification: Likely benign. Last evaluated: 2024-11-01. Review status: criteria provided, single submitter. Criteria: CeGaT Center For Human Genetics Tuebingen Variant Classification Criteria Version 2. Collection method: clinical testing. Allele origin: germline. Affected: yes. Observed: 1 variant allele.
Comment: NBAS: BP4, BP7

PreventionGenetics, part of Exact Sciences
Classification: Likely benign for NBAS-related condition. Last evaluated: 2020-04-17. Review status: no assertion criteria provided. Collection method: clinical testing. Allele origin: germline. Not counted in ClinVar's aggregate classification.
Comment: This variant is classified as likely benign based on ACMG/AMP sequence variant interpretation guidelines (Richards et al. 2015 PMID: 25741868, with internal and published modifications).

NM_015909.4(NBAS):c.3787C>T (p.Leu1263=)

Gene: NBAS (NBAS subunit of NRZ tethering complex; minus strand). Cytogenetic location: 2p24.3.
Variant type: single nucleotide variant.
Coding change: c.3787C>T on transcript NM_015909.4 (MANE Select); coding-DNA position 3787, C replaced by T.
Protein change: p.Leu1263=; no amino-acid change (leucine 1263 retained).
Molecular consequence: synonymous variant. On other transcripts: non-coding transcript variant (1).
Genome position (GRCh38, 1-based): chr2:15,366,610, G>A on the plus strand (C>T on the coding strand, the complement: NBAS is on the minus strand). VCF-style: chr2-15366610-G-A. GRCh37 (hg19) VCF-style: chr2-15506734-G-A.
Identifiers: ClinVar variation 725240 (VCV000725240.24), dbSNP rs141154617, ClinGen allele CA1535911.